The following is an entry in ClinVar:

NC_000022.11:g.40345663CT[1]

Gene: ADSL (adenylosuccinate lyase; plus strand). Cytogenetic location: 22q13.1.
Variant type: Microsatellite.
Genome position: GRCh38 VCF-style: chr22-40345662-GCT-G. GRCh37 (hg19) VCF-style: chr22-40741666-GCT-G.
Identifiers: ClinVar variation 2063825 (VCV002063825.5), dbSNP rs2518074215, ClinGen allele CA2580615315.
Genomic context (GRCh38, chr22:40,345,662, plus strand): 5'-TTGAGTGTTTCTATTTCTATTTATTTATTTAATTCTTTTATTTTTTGGAGACGGAGTCTC[GCT>G]CTGTCGCCCAGGCTGGAGTGCAGTGGCGCGATCTTGGCTCACTGCAACCTCCGCCTTCCG-3'

ClinVar aggregate classification (germline): Uncertain significance (1 of 4 stars; one submission).

Conditions:
Adenylosuccinate lyase deficiency (ADSLD). Also called: ADSL DEFICIENCY. Identifiers: Orphanet 46, MedGen C0268126, MONDO:0007068, OMIM 103050.

Submission:

Labcorp Genetics (formerly Invitae), Labcorp
Classification: Uncertain significance for Adenylosuccinate lyase deficiency. Last evaluated: 2023-08-24. Review status: criteria provided, single submitter. Criteria: Invitae Variant Classification Sherloc (09022015). Collection method: clinical testing. Allele origin: germline.
Comment: In summary, the available evidence is currently insufficient to determine the role of this variant in disease. Therefore, it has been classified as a Variant of Uncertain Significance. Experimental studies and prediction algorithms are not available or were not evaluated, and the functional significance of this variant is currently unknown. This variant has not been reported in the literature in individuals affected with ADSL-related conditions. This variant is not present in population databases (gnomAD no frequency). This variant occurs in a non-coding region of the ADSL gene. It does not change the encoded amino acid sequence of the ADSL protein.